The following is an entry in ClinVar:

NM_032043.3(BRIP1):c.842A>C (p.His281Pro)

Gene: BRIP1 (BRCA1 interacting DNA helicase 1; minus strand). Cytogenetic location: 17q23.2.
Variant type: single nucleotide variant.
Coding change: c.842A>C on transcript NM_032043.3 (MANE Select); coding-DNA position 842, A replaced by C.
Protein change: p.His281Pro; replaces histidine 281 with proline.
Molecular consequence: missense variant.
Genome position (GRCh38, 1-based): chr17:61,808,543, T>G on the plus strand (A>C on the coding strand, the complement: BRIP1 is on the minus strand). VCF-style: chr17-61808543-T-G. GRCh37 (hg19) VCF-style: chr17-59885904-T-G.
Other names: short protein forms H281P.
Identifiers: ClinVar variation 645530 (VCV000645530.10), dbSNP rs1603346710, ClinGen allele CA400484800.

ClinVar aggregate classification (germline): Uncertain significance. Review status: criteria provided, single submitter (1 of 4 stars). 2 submissions from 2 submitters: Uncertain significance (1). 1 of the submissions does not count toward it. Last evaluated 2025-05-30.

Conditions:
Familial cancer of breast. Also called: hereditary breast carcinoma; BREAST CANCER, FAMILIAL; Hereditary breast cancer. Identifiers: Orphanet 227535, MedGen C0346153, MONDO:0016419, OMIM 114480. Disease mechanism: loss of function.
Fanconi anemia complementation group J. Also called: BRIP1-Related Fanconi Anemia. Identifiers: Orphanet 84, MedGen C1836860, MONDO:0012187, OMIM 609054.

Submissions (2):

Labcorp Genetics (formerly Invitae), Labcorp
Classification: Uncertain significance for Familial cancer of breast; Fanconi anemia complementation group J. Last evaluated: 2025-05-30. Review status: criteria provided, single submitter. Criteria: Invitae Variant Classification Sherloc (09022015). Collection method: clinical testing. Allele origin: germline.
Comment: This sequence change replaces histidine, which is basic and polar, with proline, which is neutral and non-polar, at codon 281 of the BRIP1 protein (p.His281Pro). This variant is not present in population databases (gnomAD no frequency). This variant has not been reported in the literature in individuals affected with BRIP1-related conditions. ClinVar contains an entry for this variant (Variation ID: 645530). Invitae Evidence Modeling of protein sequence and biophysical properties (such as structural, functional, and spatial information, amino acid conservation, physicochemical variation, residue mobility, and thermodynamic stability) indicates that this missense variant is expected to disrupt BRIP1 protein function with a positive predictive value of 95%. In summary, the available evidence is currently insufficient to determine the role of this variant in disease. Therefore, it has been classified as a Variant of Uncertain Significance.

Leiden Open Variation Database
Classification: Uncertain significance. Last evaluated: 2019-08-13. Review status: no assertion criteria provided. Collection method: curation. Allele origin: germline. Affected: yes. Not counted in ClinVar's aggregate classification.
Comment: Curator: Arleen D. Auerbach. Submitter to LOVD: Yukihide Momozawa.

Literature cited by the submitters: PubMed 31214711 (cited by Leiden Open Variation Database).